The following is an entry in ClinVar:

ClinVar aggregate classification (germline): Likely benign. Review status: criteria provided, single submitter (1 of 4 stars). 2 submissions from 2 submitters: Likely benign (1). 1 of the submissions does not count toward it. Last evaluated 2025-10-27.

Conditions:
CNOT1-related disorder. Also called: CNOT1-related condition.

Allele frequency attached by ClinVar (database versions not stated): TOPMed 0.00012; gnomAD 0.00016; ExAC 0.00017; ESP Exome Variant Server 0.00031.
gnomAD v4.1: 433 of 1,614,028 alleles (0.027%); highest among the groups gnomAD compares: Non-Finnish European, 0.035%; no homozygotes.

Submissions (2):

Labcorp Genetics (formerly Invitae), Labcorp
Classification: Likely benign. Last evaluated: 2025-10-27. Review status: criteria provided, single submitter. Criteria: Invitae Variant Classification Sherloc (09022015). Collection method: clinical testing. Allele origin: germline.

PreventionGenetics, part of Exact Sciences
Classification: Likely benign for CNOT1-related condition. Last evaluated: 2019-05-31. Review status: no assertion criteria provided. Collection method: clinical testing. Allele origin: germline. Not counted in ClinVar's aggregate classification.
Comment: This variant is classified as likely benign based on ACMG/AMP sequence variant interpretation guidelines (Richards et al. 2015 PMID: 25741868, with internal and published modifications).

NM_016284.5(CNOT1):c.2841A>C (p.Gly947=)

Gene: CNOT1 (CCR4-NOT transcription complex subunit 1; minus strand). Cytogenetic location: 16q21.
Variant type: single nucleotide variant.
Coding change: c.2841A>C on transcript NM_016284.5 (MANE Select); coding-DNA position 2841, A replaced by C.
Protein change: p.Gly947=; no amino-acid change (glycine 947 retained).
Molecular consequence: synonymous variant. On other transcripts: non-coding transcript variant (1).
Genome position (GRCh38, 1-based): chr16:58,555,301, T>G on the plus strand (A>C on the coding strand, the complement: CNOT1 is on the minus strand). VCF-style: chr16-58555301-T-G. GRCh37 (hg19) VCF-style: chr16-58589205-T-G.
Other names: c.2826A>C, p.Gly942= (NM_001265612.2); c.2841A>C, p.Gly947= (NM_206999.3); c.2841A>C (NM_016284.4).
Identifiers: ClinVar variation 2059730 (VCV002059730.6), dbSNP rs149793943, ClinGen allele CA8089574.